The following is an entry in ClinVar:

NM_003579.4(RAD54L):c.1671A>C (p.Glu557Asp)

Gene: RAD54L (RAD54 like; plus strand). Cytogenetic location: 1p34.1.
Variant type: single nucleotide variant.
Coding change: c.1671A>C on transcript NM_003579.4 (MANE Select); coding-DNA position 1671, A replaced by C.
Protein change: p.Glu557Asp; replaces glutamic acid 557 with aspartic acid.
Molecular consequence: missense variant.
Genome position (GRCh38, 1-based): chr1:46,274,198, A>C. VCF-style: chr1-46274198-A-C. GRCh37 (hg19) VCF-style: chr1-46739870-A-C.
Other names: c.1671A>C, p.Glu557Asp (NM_001142548.2); c.1131A>C, p.Glu377Asp (NM_001370766.1); short protein forms E557D, E377D.
Identifiers: ClinVar variation 1777689 (VCV001777689.3), dbSNP rs749723330, ClinGen allele CA340183644.
Genomic context (GRCh38, chr1:46,274,198, plus strand): 5'-GTACTTATACGTCCGCCTGGATGGCACGATGTCCATTAAGAAGCGAGCCAAGGTTGTAGA[A>C]CGCTTCAATAGTCCATCGGTAAATGCACATCCCCGTCCCCACACCACCAATGCAGTATCA-3'
Protein context (NP_003570.2, residues 547-567): MSIKKRAKVV[Glu557Asp]RFNSPSSPDF

ClinVar aggregate classification (germline): Uncertain significance (1 of 4 stars; one submission).

Allele frequency attached by ClinVar (database versions not stated): gnomAD 0.00001.
gnomAD v4.1: 1 of 1,613,020 alleles (0.000062%); highest among the groups gnomAD compares: Non-Finnish European, 0.000085%; no homozygotes.

Submission:

Ambry Genetics
Classification: Uncertain significance. Last evaluated: 2023-08-13. Review status: criteria provided, single submitter. Criteria: Ambry Variant Classification Scheme 2023. Collection method: clinical testing. Allele origin: germline.
Comment: The p.E557D variant (also known as c.1671A>C), located in coding exon 15 of the RAD54L gene, results from an A to C substitution at nucleotide position 1671. The glutamic acid at codon 557 is replaced by aspartic acid, an amino acid with highly similar properties. This amino acid position is conserved. In addition, this alteration is predicted to be tolerated by in silico analysis. Since supporting evidence is limited at this time, the clinical significance of this alteration remains unclear.